The following is an entry in ClinVar:

ClinVar aggregate classification (germline): Likely benign. Review status: criteria provided, single submitter (1 of 4 stars). 2 submissions from 2 submitters: Likely benign (1). 1 of the submissions does not count toward it. Last evaluated 2025-12-17.

Conditions:
Aicardi-Goutieres syndrome 7 (AGS7). Identifiers: Orphanet 51, MedGen C3888244, MONDO:0014367, OMIM 615846.
Singleton-Merten syndrome 1 (SGMRT1). Also called: Widened medullary cavities of bone, aortic calcification, abnormal dentition, and muscular weakness; Syndrome of widened medullary cavities of the metacarpals and phalanges, aortic calcification and abnormal dentition. Identifiers: Orphanet 85191, MedGen C4225427, MONDO:0024535, OMIM 182250.

Allele frequency attached by ClinVar (database versions not stated): gnomAD 0.00002 and 0.00001; ExAC 0.00008; gnomAD exomes 0.00010; 1000 Genomes Project 0.00020; TOPMed 0.00006; 1000 Genomes Project 30x 0.00031.
gnomAD v4.1: 30 of 1,605,552 alleles (0.0019%); highest among the groups gnomAD compares: East Asian, 0.065%; no homozygotes.

Submissions (2):

Labcorp Genetics (formerly Invitae), Labcorp
Classification: Likely benign for Aicardi-Goutieres syndrome 7; Singleton-Merten syndrome 1. Last evaluated: 2025-12-17. Review status: criteria provided, single submitter. Criteria: Invitae Variant Classification Sherloc (09022015). Collection method: clinical testing. Allele origin: germline.

Department of Pathology and Laboratory Medicine, Sinai Health System
Classification: Benign. Review status: no assertion criteria provided. Collection method: clinical testing. Allele origin: unknown. Affected: yes. Study: The Canadian Open Genetics Repository (COGR). Not counted in ClinVar's aggregate classification.
Comment: The IFIH1 p.Leu690Pro variant was not identified in the literature nor was it identified in ClinVar, Cosmic or LOVD 3.0. The variant was identified in dbSNP (ID: rs189782013) and in control databases in 25 of 242786 chromosomes at a frequency of 0.000103 (Genome Aggregation Database Feb 27, 2017). The variant was observed in the East Asian population in 25 of 17988 chromosomes (freq: 0.00139), but not in the African, Latino, Ashkenazi Jewish, European (Finnish), European (non-Finnish), Other, and South Asian populations. The p.Leu690 residue is conserved in mammals but not in more distantly related organisms, and four out of five computational analyses (PolyPhen-2, SIFT, AlignGVGD, BLOSUM, MutationTaster) suggest that the variant may impact the protein; however, this information is not predictive enough to assume pathogenicity. The variant occurs outside of the splicing consensus sequence and in silico or computational prediction software programs (SpliceSiteFinder, MaxEntScan, NNSPLICE, GeneSplicer) do not predict a difference in splicing. In summary, based on the above information this variant meets our laboratory's criteria to be classified as benign.

NM_022168.4(IFIH1):c.2069T>C (p.Leu690Pro)

Gene: IFIH1 (interferon induced with helicase C domain 1; minus strand). Cytogenetic location: 2q24.2.
Variant type: single nucleotide variant.
Coding change: c.2069T>C on transcript NM_022168.4 (MANE Select); coding-DNA position 2069, T replaced by C.
Protein change: p.Leu690Pro; replaces leucine 690 with proline.
Molecular consequence: missense variant.
Genome position (GRCh38, 1-based): chr2:162,276,922, A>G on the plus strand (T>C on the coding strand, the complement: IFIH1 is on the minus strand). VCF-style: chr2-162276922-A-G. GRCh37 (hg19) VCF-style: chr2-163133432-A-G.
Other names: short protein forms L690P.
Identifiers: ClinVar variation 1049941 (VCV001049941.10), dbSNP rs189782013, ClinGen allele CA1934296.